The following is an entry in ClinVar:

NM_019098.5(CNGB3):c.1331T>G (p.Val444Gly)

Gene: CNGB3 (cyclic nucleotide gated channel subunit beta 3; minus strand). Cytogenetic location: 8q21.3.
Variant type: single nucleotide variant.
Coding change: c.1331T>G on transcript NM_019098.5 (MANE Select); coding-DNA position 1331, T replaced by G.
Protein change: p.Val444Gly; replaces valine 444 with glycine.
Molecular consequence: missense variant.
Genome position (GRCh38, 1-based): chr8:86,629,068, A>C on the plus strand (T>G on the coding strand, the complement: CNGB3 is on the minus strand). VCF-style: chr8-86629068-A-C. GRCh37 (hg19) VCF-style: chr8-87641296-A-C.
Other names: c.1331T>G (NM_019098.4); short protein forms V444G.
Identifiers: ClinVar variation 1448379 (VCV001448379.6), dbSNP rs2131582912, ClinGen allele CA371443761.

ClinVar aggregate classification (germline): Uncertain significance. Review status: criteria provided, multiple submitters, no conflicts (2 of 4 stars). 3 submissions from 3 submitters: Uncertain significance (2). 1 of the submissions does not count toward it. Last evaluated 2022-03-11.

Conditions:
Achromatopsia. Also called: Rod monochromatism. Identifiers: Orphanet 49382, MedGen C0152200, MONDO:0018852, HP:0011516.

Submissions (3):

Blueprint Genetics
Classification: Uncertain significance. Last evaluated: 2022-03-11. Review status: criteria provided, single submitter. Criteria: ACMG Guidelines, 2015. Collection method: clinical testing. Allele origin: germline.

Labcorp Genetics (formerly Invitae), Labcorp
Classification: Uncertain significance. Last evaluated: 2021-08-31. Review status: criteria provided, single submitter. Criteria: Invitae Variant Classification Sherloc (09022015). Collection method: clinical testing. Allele origin: germline.
Comment: In summary, the available evidence is currently insufficient to determine the role of this variant in disease. Therefore, it has been classified as a Variant of Uncertain Significance. Advanced modeling of protein sequence and biophysical properties (such as structural, functional, and spatial information, amino acid conservation, physicochemical variation, residue mobility, and thermodynamic stability) performed at Invitae indicates that this missense variant is expected to disrupt CNGB3 protein function. This variant has not been reported in the literature in individuals affected with CNGB3-related conditions. This variant is not present in population databases (ExAC no frequency). This sequence change replaces valine with glycine at codon 444 of the CNGB3 protein (p.Val444Gly). The valine residue is highly conserved and there is a moderate physicochemical difference between valine and glycine.

Natera, Inc.
Classification: Uncertain significance for Achromatopsia. Last evaluated: 2025-02-24. Review status: no assertion criteria provided. Collection method: clinical testing. Allele origin: germline. Not counted in ClinVar's aggregate classification.